The following is an entry in ClinVar:

ClinVar aggregate classification (germline): Conflicting classifications of pathogenicity. Review status: criteria provided, conflicting classifications (1 of 4 stars). 2 submissions from 2 submitters: Pathogenic (1); Uncertain significance (1). Last evaluated 2025-01-10.

Conditions:
Catecholaminergic polymorphic ventricular tachycardia (CVPT). Also called: Catecholamine-induced polymorphic ventricular tachycardia. Identifiers: Orphanet 3286, MedGen C5574922, MONDO:0017990.
Catecholaminergic polymorphic ventricular tachycardia 1. Also called: VENTRICULAR TACHYCARDIA, CATECHOLAMINERGIC POLYMORPHIC, 1, WITH OR WITHOUT ATRIAL DYSFUNCTION AND/OR DILATED CARDIOMYOPATHY; RYR2-Related Catecholaminergic Polymorphic Ventricular Tachycardia; VENTRICULAR TACHYCARDIA, STRESS-INDUCED POLYMORPHIC 1. Identifiers: Orphanet 3286, MedGen C1631597, MONDO:0011484, OMIM 604772.

Submissions (2):

Undiagnosed Diseases Network, NIH
Classification: Pathogenic for Catecholaminergic polymorphic ventricular tachycardia 1. Last evaluated: 2025-01-10. Review status: criteria provided, single submitter. Criteria: ACMG Guidelines, 2015. Collection method: clinical testing. Allele origin: unknown. Inheritance: Autosomal dominant inheritance. Affected: yes. Observed: 1 heterozygote. Study: Undiagnosed Diseases Network (NIH), UDN.

All of Us Research Program, National Institutes of Health
Classification: Uncertain significance for Catecholaminergic polymorphic ventricular tachycardia. Last evaluated: 2023-08-15. Review status: criteria provided, single submitter. Criteria: ACMG Guidelines, 2015. Collection method: clinical testing. Allele origin: germline. Inheritance: Autosomal dominant inheritance. Observed: 1 variant allele, 1 heterozygote.
Comment: This study involves interpretation of variants in research participants for the purpose of population health screening. Participant phenotype was not available at the time of variant classification. Additional details can be found in publication PMID: 35346344, PMCID: PMC8962531

NM_001035.3(RYR2):c.8970_8971del (p.Cys2991fs)

Gene: RYR2 (ryanodine receptor 2; plus strand). Cytogenetic location: 1q43.
Variant type: Microsatellite.
Coding change: c.8970_8971del on transcript NM_001035.3 (MANE Select); coding-DNA positions 8970 to 8971, 2 bases deleted (CT; older notation c.8970_8971delCT).
Protein change: p.Cys2991fs; shifts the reading frame from cysteine 2991.
Molecular consequence: frameshift variant.
Genome position (GRCh38, 1-based): chr1:237,680,530-237,680,531, CT deleted; deleting any 2 consecutive bases within chr1:237,680,526-237,680,531 gives the same sequence; the c. name uses the placement nearest the transcript's 3' end. VCF-style (leftmost placement, unchanged base first): chr1-237680525-CCT-C. GRCh37 (hg19) VCF-style: chr1-237843825-CCT-C.
Other names: p.C2991fs; c.8970_8971delCT (NM_001035.2); short protein forms C2991fs.
Identifiers: ClinVar variation 3072644 (VCV003072644.3), dbSNP rs1685781888, ClinGen allele CA2487440277.
Genomic context (GRCh38, chr1:237,680,525, plus strand): 5'-CCTTTAATTGATCAGTATTTCAAAAACCATCGTTTATACTTCTTATCTGCAGCAAGCAGA[CCT>C]CTCTGCTCTGGAGGACATGCTTCCAACAAAGAGAAAGAAATGGTGACTAGGTAAACAGCT-3'